The following is an entry in ClinVar:

ClinVar aggregate classification (germline): Uncertain significance. Review status: criteria provided, multiple submitters, no conflicts (2 of 4 stars). 2 submissions from 2 submitters: Uncertain significance (2). Last evaluated 2025-03-13.

Conditions:
Hearing loss, autosomal dominant 78. Also called: DEAFNESS, AUTOSOMAL DOMINANT 78. Identifiers: MedGen C5436768, MONDO:0033665, OMIM 619081.
Delpire-McNeill syndrome. Also called: SLC12A2-related autosomal dominant infantile-developmental delay-intellectual disability-sensorineural deafness syndrome. Identifiers: Orphanet 633024, MedGen C5436771, MONDO:0033667, OMIM 619083.
Kilquist syndrome (KILQS). Also called: SLC12A2-related autosomal recessive neonatal-developmental delay-intellectual disability-feeding difficulty-sensorineural deafness syndrome. Identifiers: Orphanet 633021, MedGen C5436756, MONDO:0033664, OMIM 619080.

gnomAD v4.1: 5 of 1,607,470 alleles (0.00031%); highest among the groups gnomAD compares: South Asian, 0.0011%; no homozygotes.

Submissions (2):

Labcorp Genetics (formerly Invitae), Labcorp
Classification: Uncertain significance. Last evaluated: 2025-03-13. Review status: criteria provided, single submitter. Criteria: Invitae Variant Classification Sherloc (09022015). Collection method: clinical testing. Allele origin: germline.
Comment: This sequence change replaces arginine, which is basic and polar, with cysteine, which is neutral and slightly polar, at codon 653 of the SLC12A2 protein (p.Arg653Cys). This variant is present in population databases (rs763260162, gnomAD 0.003%). This variant has not been reported in the literature in individuals affected with SLC12A2-related conditions. Invitae Evidence Modeling of protein sequence and biophysical properties (such as structural, functional, and spatial information, amino acid conservation, physicochemical variation, residue mobility, and thermodynamic stability) indicates that this missense variant is expected to disrupt SLC12A2 protein function with a positive predictive value of 80%. In summary, the available evidence is currently insufficient to determine the role of this variant in disease. Therefore, it has been classified as a Variant of Uncertain Significance.

Juno Genomics, Hangzhou Juno Genomics, Inc
Classification: Uncertain significance for Hearing loss, autosomal dominant 78; Delpire-McNeill syndrome; Kilquist syndrome. Review status: criteria provided, single submitter. Criteria: ACMG Guidelines, 2015. Collection method: clinical testing. Allele origin: germline.
Comment: Absent from controls (or at extremely low frequency if recessive) in Genome Aggregation Database.;Multiple lines of computational evidence support a deleterious effect on the gene or gene product.

NM_001046.3(SLC12A2):c.1957C>T (p.Arg653Cys)

Gene: SLC12A2 (solute carrier family 12 member 2; plus strand). Cytogenetic location: 5q23.3.
Variant type: single nucleotide variant.
Coding change: c.1957C>T on transcript NM_001046.3 (MANE Select); coding-DNA position 1957, C replaced by T.
Protein change: p.Arg653Cys; replaces arginine 653 with cysteine.
Molecular consequence: missense variant. On other transcripts: non-coding transcript variant (1).
Genome position (GRCh38, 1-based): chr5:128,148,829, C>T. VCF-style: chr5-128148829-C-T. GRCh37 (hg19) VCF-style: chr5-127484521-C-T.
Other names: c.1957C>T, p.Arg653Cys (NM_001256461.2); short protein forms R653C.
Identifiers: ClinVar variation 4768728 (VCV004768728.3).
Genomic context (GRCh38, chr5:128,148,829, plus strand): 5'-AACATCTACCCAGCTTTCCAGATGTTTGCTAAAGGTTATGGGAAAAATAATGAACCTCTT[C>T]GTGGCTACATCTTAACATTCTTAATTGCACTTGGATTCATCTTAATTGGTTAGTTATATA-3'
Protein context (NP_001037.1, residues 643-663): KGYGKNNEPL[Arg653Cys]GYILTFLIAL